The following is an entry in ClinVar:

ClinVar aggregate classification (germline): Likely benign. Review status: criteria provided, multiple submitters, no conflicts (2 of 4 stars). 2 submissions from 2 submitters: Likely benign (2). Last evaluated 2025-12-10.

Conditions:
Spastic paraplegia. Identifiers: MedGen C0037772, HP:0001258.

Submissions (2):

Mayo Clinic Laboratories, Mayo Clinic
Classification: Likely benign. Last evaluated: 2025-12-10. Review status: criteria provided, single submitter. Criteria: ACMG Guidelines, 2015. Collection method: clinical testing. Allele origin: germline. Observed: 1 variant allele.
Comment: BP4, BP7, PM2_supporting

Labcorp Genetics (formerly Invitae), Labcorp
Classification: Likely benign for Spastic paraplegia. Last evaluated: 2023-04-04. Review status: criteria provided, single submitter. Criteria: Invitae Variant Classification Sherloc (09022015). Collection method: clinical testing. Allele origin: germline.

NM_014363.6(SACS):c.9948G>A (p.Gln3316=)

Gene: SACS (sacsin molecular chaperone; minus strand). Cytogenetic location: 13q12.12.
Variant type: single nucleotide variant.
Coding change: c.9948G>A on transcript NM_014363.6 (MANE Select); coding-DNA position 9948, G replaced by A.
Protein change: p.Gln3316=; no amino-acid change (glutamine 3316 retained).
Molecular consequence: synonymous variant.
Genome position (GRCh38, 1-based): chr13:23,333,928, C>T on the plus strand (G>A on the coding strand, the complement: SACS is on the minus strand). VCF-style: chr13-23333928-C-T. GRCh37 (hg19) VCF-style: chr13-23908067-C-T.
Other names: p.Gln3316=; c.9507G>A, p.Gln3169= (NM_001278055.2).
Identifiers: ClinVar variation 2786186 (VCV002786186.4), dbSNP rs1883656984, ClinGen allele CA483158924.